The following is an entry in ClinVar:

NM_001364905.1(LRBA):c.8228G>T (p.Cys2743Phe)

Gene: LRBA (LPS responsive beige-like anchor protein; minus strand). Cytogenetic location: 4q31.3.
Variant type: single nucleotide variant.
Coding change: c.8228G>T on transcript NM_001364905.1 (MANE Select); coding-DNA position 8228, G replaced by T.
Protein change: p.Cys2743Phe; replaces cysteine 2743 with phenylalanine.
Molecular consequence: missense variant.
Genome position (GRCh38, 1-based): chr4:150,282,538, C>A on the plus strand (G>T on the coding strand, the complement: LRBA is on the minus strand). VCF-style: chr4-150282538-C-A. GRCh37 (hg19) VCF-style: chr4-151203690-C-A.
Other names: c.8225G>T, p.Cys2742Phe (NM_001199282.3); c.8243G>T, p.Cys2748Phe (NM_001367550.1); c.8261G>T, p.Cys2754Phe (NM_006726.5); short protein forms C2742F, C2743F, C2748F, C2754F.
Identifiers: ClinVar variation 3350622 (VCV003350622.3).

ClinVar aggregate classification (germline): Uncertain significance. Review status: criteria provided, single submitter (1 of 4 stars). 2 submissions from 2 submitters: Uncertain significance (1). 1 of the submissions does not count toward it. Last evaluated 2025-02-06.

Conditions:
LRBA-related disorder. Also called: LRBA-related condition.
Combined immunodeficiency due to LRBA deficiency. Also called: Common variable immunodeficiency 8, with autoimmunity. Identifiers: Orphanet 445018, MedGen C3553512, MONDO:0013863, OMIM 614700.

gnomAD v4.1: 26 of 1,614,000 alleles (0.0016%); highest among the groups gnomAD compares: South Asian, 0.022%; no homozygotes.

Submissions (2):

Labcorp Genetics (formerly Invitae), Labcorp
Classification: Uncertain significance for Combined immunodeficiency due to LRBA deficiency. Last evaluated: 2025-02-06. Review status: criteria provided, single submitter. Criteria: Invitae Variant Classification Sherloc (09022015). Collection method: clinical testing. Allele origin: germline.
Comment: This sequence change replaces cysteine, which is neutral and slightly polar, with phenylalanine, which is neutral and non-polar, at codon 2754 of the LRBA protein (p.Cys2754Phe). This variant is present in population databases (rs759507023, gnomAD 0.02%). This variant has not been reported in the literature in individuals affected with LRBA-related conditions. ClinVar contains an entry for this variant (Variation ID: 3350622). Invitae Evidence Modeling of protein sequence and biophysical properties (such as structural, functional, and spatial information, amino acid conservation, physicochemical variation, residue mobility, and thermodynamic stability) has been performed for this missense variant. However, the output from this modeling did not meet the statistical confidence thresholds required to predict the impact of this variant on LRBA protein function. In summary, the available evidence is currently insufficient to determine the role of this variant in disease. Therefore, it has been classified as a Variant of Uncertain Significance.

PreventionGenetics, part of Exact Sciences
Classification: Uncertain significance for LRBA-related condition. Last evaluated: 2024-05-16. Review status: no assertion criteria provided. Collection method: clinical testing. Allele origin: germline. Not counted in ClinVar's aggregate classification.
Comment: The LRBA c.8261G>T variant is predicted to result in the amino acid substitution p.Cys2754Phe. To our knowledge, this variant has not been reported in the literature. This variant is reported in 0.016% of alleles in individuals of South Asian descent in gnomAD. At this time, the clinical significance of this variant is uncertain due to the absence of conclusive functional and genetic evidence.